The following is an entry in ClinVar:

NM_014254.2(RXYLT1):c.-91G>A

Genes: RXYLT1 (ribitol xylosyltransferase 1; plus strand), LOC130008195 (ATAC-STARR-seq lymphoblastoid silent region 4614; plus strand). Cytogenetic location: 12q14.2.
Variant type: single nucleotide variant.
Coding change: c.-91G>A on transcript NM_014254.2; 91 bases upstream of the start codon, G replaced by A.
Genome position (GRCh38, 1-based): chr12:63,779,870, G>A. VCF-style: chr12-63779870-G-A. GRCh37 (hg19) VCF-style: chr12-64173650-G-A.
Identifiers: ClinVar variation 672804 (VCV000672804.4), dbSNP rs75517044, ClinGen allele CA238223013.
Genomic context (GRCh38, chr12:63,779,870, plus strand): 5'-CGGGGCGGGGCTGTACCGGGCGCTGGGCGGAGGAGCCTTGGCTGGGGACTGCCTGGAAAC[G>A]GGCTGGGCCTGCCTCGGACGCCGCCGGTGTCGCGGATTCTCTTTCCGCCCGCTCCATGGC-3'

ClinVar aggregate classification (germline): Benign. Review status: criteria provided, multiple submitters, no conflicts (2 of 4 stars). 2 submissions from 2 submitters: Benign (2). Last evaluated 2018-06-18.

Allele frequency attached by ClinVar (database versions not stated): 1000 Genomes Project 30x 0.08339; gnomAD 0.04125; TOPMed 0.04750; 1000 Genomes Project 0.08347.

Submissions (2):

GeneDx
Classification: Benign. Last evaluated: 2018-06-18. Review status: criteria provided, single submitter. Criteria: GeneDx Variant Classification (06012015). Collection method: clinical testing. Allele origin: germline. Affected: yes.
Comment: This variant is considered likely benign or benign based on one or more of the following criteria: it is a conservative change, it occurs at a poorly conserved position in the protein, it is predicted to be benign by multiple in silico algorithms, and/or has population frequency not consistent with disease.

Breakthrough Genomics
Classification: Benign. Review status: criteria provided, single submitter. Criteria: ACMG Guidelines, 2015. Collection method: not provided. Allele origin: germline. Inheritance: Autosomal recessive inheritance. Affected: yes.